The following is an entry in ClinVar:

ClinVar aggregate classification (germline): Benign (1 of 4 stars; one submission).

Conditions:
Glanzmann thrombasthenia. Also called: PLATELET GLYCOPROTEIN IIb-IIIa DEFICIENCY; Thrombasthenia; Glanzmann's thrombasthenia; BLEEDING DISORDER, PLATELET-TYPE, 2; THROMBASTHENIA OF GLANZMANN AND NAEGELI. Identifiers: Orphanet 849, MedGen C0040015, MONDO:0100326.

Allele frequency attached by ClinVar (database versions not stated): gnomAD 0.05104 and 0.05381; TOPMed 0.05752; 1000 Genomes Project 0.08466; 1000 Genomes Project 30x 0.08542.
gnomAD v4.1: 8,204 of 152,246 alleles (5.4%); highest among the groups gnomAD compares: East Asian, 15%; 310 homozygotes.

Submission:

Illumina Laboratory Services, Illumina
Classification: Benign for Glanzmann thrombasthenia 1. Last evaluated: 2018-01-12. Review status: criteria provided, single submitter. Criteria: ICSL Variant Classification Criteria 13 December 2019. Collection method: clinical testing. Allele origin: germline.
Comment: This variant was observed in the ICSL laboratory as part of a predisposition screen in an ostensibly healthy population. It had not been previously curated by ICSL or reported in the Human Gene Mutation Database (HGMD: prior to June 1st, 2018), and was therefore a candidate for classification through an automated scoring system. Utilizing variant allele frequency, disease prevalence and penetrance estimates, and inheritance mode, an automated score was calculated to assess if this variant is too frequent to cause the disease. Based on the score and internal cut-off values, a variant classified as benign is not then subjected to further curation. The score for this variant resulted in a classification of benign for this disease.

NM_000212.3(ITGB3):c.*2327G>A

Genes: EFCAB13-DT (EFCAB13 divergent transcript; minus strand), ITGB3 (integrin subunit beta 3; plus strand). Cytogenetic location: 17q21.32.
Variant type: single nucleotide variant.
Coding change: c.*2327G>A on transcript NM_000212.3 (MANE Select); 2327 bases downstream of the stop codon, G replaced by A.
Molecular consequence: 3 prime UTR variant.
Genome position (GRCh38, 1-based): chr17:47,312,531, G>A. VCF-style: chr17-47312531-G-A. GRCh37 (hg19) VCF-style: chr17-45389897-G-A.
Identifiers: ClinVar variation 323905 (VCV000323905.5), dbSNP rs58365772, ClinGen allele CA10639991.